The following is an entry in ClinVar:

ClinVar aggregate classification (germline): Benign. Review status: criteria provided, multiple submitters, no conflicts (2 of 4 stars). 3 submissions from 3 submitters: Benign (3). Last evaluated 2024-07-15.

Allele frequency attached by ClinVar (database versions not stated): 1000 Genomes Project 0.37560; 1000 Genomes Project 30x 0.38538; gnomAD exomes 0.42390; TOPMed 0.42410; gnomAD 0.42707 and 0.43314.
gnomAD v4.1: 442,118 of 1,044,220 alleles (42%); highest among the groups gnomAD compares: Admixed American, 47%; 96,375 homozygotes.

Submissions (3):

Unidad de Genómica Garrahan, Hospital de Pediatría Garrahan
Classification: Benign. Last evaluated: 2024-07-15. Review status: criteria provided, single submitter. Criteria: ACMG Guidelines, 2015. Collection method: clinical testing. Allele origin: germline. Affected: no. Observed: 64 variant alleles.
Comment: This variant is classified as Benign based on local population frequency. This variant was detected in 69% of patients studied in a panel designed for Epileptic and Developmental Encephalopathy and Progressive Myoclonus Epilepsy. Number of patients: 64. Only high quality variants are reported.

GeneDx
Classification: Benign. Last evaluated: 2020-11-20. Review status: criteria provided, single submitter. Criteria: GeneDx Variant Classification Process June 2021. Collection method: clinical testing. Allele origin: germline. Affected: yes.

Breakthrough Genomics
Classification: Benign. Review status: criteria provided, single submitter. Criteria: ACMG Guidelines, 2015. Collection method: not provided. Allele origin: germline. Inheritance: Autosomal recessive inheritance. Affected: yes.

NM_015192.4(PLCB1):c.862+92T>C

Gene: PLCB1 (phospholipase C beta 1; plus strand). Cytogenetic location: 20p12.3.
Variant type: single nucleotide variant.
Coding change: c.862+92T>C on transcript NM_015192.4 (MANE Select); 92 bases into the intron after coding-DNA position 862, T replaced by C.
Molecular consequence: intron variant.
Genome position (GRCh38, 1-based): chr20:8,658,796, T>C. VCF-style: chr20-8658796-T-C. GRCh37 (hg19) VCF-style: chr20-8639443-T-C.
Other names: c.862+92T>C (NM_182734.3).
Identifiers: ClinVar variation 1221607 (VCV001221607.6), dbSNP rs2076640, ClinGen allele CA14804712.